The following is an entry in ClinVar:

ClinVar aggregate classification (germline): Uncertain significance (1 of 4 stars; one submission).

Conditions:
Hereditary cancer-predisposing syndrome. Also called: Tumor predisposition; Neoplastic Syndromes, Hereditary; Hereditary Cancer Syndrome; Hereditary neoplastic syndrome. Identifiers: Orphanet 140162, MedGen C0027672, MeSH D009386, MONDO:0015356.

Submission:

Ambry Genetics
Classification: Uncertain significance for Hereditary cancer-predisposing syndrome. Last evaluated: 2024-10-18. Review status: criteria provided, single submitter. Criteria: Ambry Variant Classification Scheme 2023. Collection method: clinical testing. Allele origin: germline.
Comment: The p.W133G variant (also known as c.397T>G), located in coding exon 3 of the DICER1 gene, results from a T to G substitution at nucleotide position 397. The tryptophan at codon 133 is replaced by glycine, an amino acid with highly dissimilar properties. This amino acid position is conserved. In addition, the in silico prediction for this alteration is inconclusive. Based on the available evidence, the clinical significance of this variant remains unclear.

NM_177438.3(DICER1):c.397T>G (p.Trp133Gly)

Gene: DICER1 (dicer 1, ribonuclease III; minus strand). Cytogenetic location: 14q32.13.
Variant type: single nucleotide variant.
Coding change: c.397T>G on transcript NM_177438.3 (MANE Select); coding-DNA position 397, T replaced by G.
Protein change: p.Trp133Gly; replaces tryptophan 133 with glycine.
Molecular consequence: missense variant. On other transcripts: 5 prime UTR variant (2), non-coding transcript variant (5), intron variant (6).
Genome position (GRCh38, 1-based): chr14:95,131,550, A>C on the plus strand (T>G on the coding strand, the complement: DICER1 is on the minus strand). VCF-style: chr14-95131550-A-C. GRCh37 (hg19) VCF-style: chr14-95597887-A-C.
Other names: c.397T>G, p.Trp133Gly (NM_001195573.1, NM_001271282.3, NM_001291628.2 and 14 more transcripts); c.115T>G, p.Trp39Gly (NM_001395686.1); c.-62T>G (NM_001395691.1); c.-1172T>G (NM_001395697.1); c.33+965T>G (NM_001395690.1, NM_001395687.1, NM_001395689.1 and 3 more transcripts); short protein forms W133G, W39G.
Identifiers: ClinVar variation 3501925 (VCV003501925.1).